The following is an entry in ClinVar:

NM_199355.4(ADAMTS18):c.2641G>A (p.Val881Met)

Gene: ADAMTS18 (ADAM metallopeptidase with thrombospondin type 1 motif 18; minus strand). Cytogenetic location: 16q23.1.
Variant type: single nucleotide variant.
Coding change: c.2641G>A on transcript NM_199355.4 (MANE Select); coding-DNA position 2641, G replaced by A.
Protein change: p.Val881Met; replaces valine 881 with methionine.
Molecular consequence: missense variant.
Genome position (GRCh38, 1-based): chr16:77,300,296, C>T on the plus strand (G>A on the coding strand, the complement: ADAMTS18 is on the minus strand). VCF-style: chr16-77300296-C-T. GRCh37 (hg19) VCF-style: chr16-77334193-C-T.
Other names: c.2641G>A (NM_199355.2); c.2125G>A, p.Val709Met (NM_001326358.2); short protein forms V709M, V881M.
Identifiers: ClinVar variation 1004842 (VCV001004842.7), dbSNP rs147244223, ClinGen allele CA8180808.

ClinVar aggregate classification (germline): Uncertain significance. Review status: criteria provided, multiple submitters, no conflicts (2 of 4 stars). 2 submissions from 2 submitters: Uncertain significance (2). Last evaluated 2025-11-17.

Conditions:
Inborn genetic diseases. Identifiers: MedGen C0950123, MeSH D030342.

Allele frequency attached by ClinVar (database versions not stated): TOPMed 0.00001; ESP Exome Variant Server 0.00008; 1000 Genomes Project 0.00020; 1000 Genomes Project 30x 0.00031.
gnomAD v4.1: 18 of 1,614,084 alleles (0.0011%); highest among the groups gnomAD compares: African/African-American, 0.004%; no homozygotes.

Submissions (2):

Labcorp Genetics (formerly Invitae), Labcorp
Classification: Uncertain significance. Last evaluated: 2025-11-17. Review status: criteria provided, single submitter. Criteria: Invitae Variant Classification Sherloc (09022015). Collection method: clinical testing. Allele origin: germline.
Comment: This sequence change replaces valine, which is neutral and non-polar, with methionine, which is neutral and non-polar, at codon 881 of the ADAMTS18 protein (p.Val881Met). This variant is present in population databases (rs147244223, gnomAD 0.01%). This variant has not been reported in the literature in individuals affected with ADAMTS18-related conditions. ClinVar contains an entry for this variant (Variation ID: 1004842). An algorithm developed to predict the effect of missense changes on protein structure and function (PolyPhen-2) suggests that this variant is likely to be tolerated. In summary, the available evidence is currently insufficient to determine the role of this variant in disease. Therefore, it has been classified as a Variant of Uncertain Significance.

Ambry Genetics
Classification: Uncertain significance for Inborn genetic diseases. Last evaluated: 2021-08-02. Review status: criteria provided, single submitter. Criteria: Ambry Variant Classification Scheme 2023. Collection method: clinical testing. Allele origin: germline.